The following is an entry in ClinVar:

ClinVar aggregate classification (germline): Uncertain significance (1 of 4 stars; one submission).

Conditions:
Nizon-Isidor syndrome. Identifiers: MedGen C5394350, MONDO:0030030, OMIM 618872.

gnomAD v4.1: 7 of 1,614,276 alleles (0.00043%); highest among the groups gnomAD compares: African/African-American, 0.0013%; no homozygotes.

Submission:

Clinical Genomics Laboratory, Washington University in St. Louis
Classification: Uncertain significance for Nizon-Isidor syndrome. Last evaluated: 2025-07-21. Review status: criteria provided, single submitter. Criteria: ACMG Guidelines, 2015. Collection method: clinical testing. Allele origin: germline.
Comment: The MED12L c.5683C>T (p.Arg1895Trp) variant, to our knowledge, has not been reported in the medical literature and is only observed in 7/1,614,276 alleles in the general population (gnomAD v.4.1.0), indicating it is not a common variant. Computational predictors suggest that the variant does not impact MED12L function. Due to limited information, and based on ACMG/AMP guidelines for variant interpretation (Richards S et al., PMID: 25741868), the clinical significance of this variant is uncertain at this time.

NM_001393769.1(MED12L):c.5683C>T (p.Arg1895Trp)

Gene: MED12L (mediator complex subunit 12L; plus strand). Cytogenetic location: 3q25.1.
Variant type: single nucleotide variant.
Coding change: c.5683C>T on transcript NM_001393769.1 (MANE Select); coding-DNA position 5683, C replaced by T.
Protein change: p.Arg1895Trp; replaces arginine 1895 with tryptophan.
Molecular consequence: missense variant.
Genome position (GRCh38, 1-based): chr3:151,394,730, C>T. VCF-style: chr3-151394730-C-T. GRCh37 (hg19) VCF-style: chr3-151112518-C-T.
Other names: c.5578C>T, p.Arg1860Trp (NM_053002.6); short protein forms R1860W, R1895W.
Identifiers: ClinVar variation 4279867 (VCV004279867.1).